The following is an entry in ClinVar:

ClinVar aggregate classification (germline): Uncertain significance. Review status: criteria provided, multiple submitters, no conflicts (2 of 4 stars). 2 submissions from 2 submitters: Uncertain significance (2). Last evaluated 2025-06-09.

Allele frequency attached by ClinVar (database versions not stated): TOPMed below 0.00001; gnomAD 0.00001; ExAC 0.00002; gnomAD exomes 0.00002.
gnomAD v4.1: 7 of 1,611,670 alleles (0.00043%); highest among the groups gnomAD compares: Admixed American, 0.012%; no homozygotes.

Submissions (2):

Ambry Genetics
Classification: Uncertain significance. Last evaluated: 2025-06-09. Review status: criteria provided, single submitter. Criteria: Ambry Variant Classification Scheme 2023. Collection method: clinical testing. Allele origin: germline.

GeneDx
Classification: Uncertain significance. Last evaluated: 2016-12-06. Review status: criteria provided, single submitter. Criteria: GeneDx Variant Classification (06012015). Collection method: clinical testing. Allele origin: germline. Affected: yes.
Comment: The Q339P variant in the CELF5 gene has not been reported previously as a pathogenic variant, nor as a benign variant, to our knowledge. The Q339P variant was not observed in approximately 6500 individuals of European and African American ancestry in the NHLBI Exome Sequencing Project, indicating it is not a common benign variant in these populations. The Q339P variant is a non-conservative amino acid substitution, which is likely to impact secondary protein structure as these residues differ in polarity, charge, size and/or other properties. This substitution occurs at a position that is conserved across species. In silico analysis predicts this variant is probably damaging to the protein structure/function. We interpret Q339P as a variant of uncertain significance.

NM_021938.4(CELF5):c.1091A>C (p.Gln364Pro)

Gene: CELF5 (CUGBP Elav-like family member 5; plus strand). Cytogenetic location: 19p13.3.
Variant type: single nucleotide variant.
Coding change: c.1091A>C on transcript NM_021938.4 (MANE Select); coding-DNA position 1091, A replaced by C.
Protein change: p.Gln364Pro; replaces glutamine 364 with proline.
Molecular consequence: missense variant. On other transcripts: non-coding transcript variant (1).
Genome position (GRCh38, 1-based): chr19:3,284,953, A>C. VCF-style: chr19-3284953-A-C. GRCh37 (hg19) VCF-style: chr19-3284951-A-C.
Other names: c.1016A>C, p.Gln339Pro (NM_001172673.2); c.1091A>C (NM_021938.3); short protein forms Q339P, Q364P.
Identifiers: ClinVar variation 373408 (VCV000373408.2), dbSNP rs775741979, ClinGen allele CA9076998.